The following is an entry in ClinVar:

ClinVar aggregate classification (germline): Likely benign (1 of 4 stars; one submission).

gnomAD v4.1: 23 of 1,614,214 alleles (0.0014%); highest among the groups gnomAD compares: Middle Eastern, 0.016%; no homozygotes.

Submission:

CeGaT Center for Human Genetics Tuebingen
Classification: Likely benign. Last evaluated: 2026-07-01. Review status: criteria provided, single submitter. Criteria: CeGaT Center For Human Genetics Tuebingen Variant Classification Criteria Version 2. Collection method: clinical testing. Allele origin: germline. Affected: yes. Observed: 1 variant allele.
Comment: TRIP12: BP4, BS2

NM_001348323.3(TRIP12):c.701C>G (p.Thr234Ser)

Gene: TRIP12 (thyroid hormone receptor interactor 12; minus strand). Cytogenetic location: 2q36.3.
Variant type: single nucleotide variant.
Coding change: c.701C>G on transcript NM_001348323.3 (MANE Select); coding-DNA position 701, C replaced by G.
Protein change: p.Thr234Ser; replaces threonine 234 with serine.
Molecular consequence: missense variant. On other transcripts: intron variant (1).
Genome position (GRCh38, 1-based): chr2:229,859,098, G>C on the plus strand (C>G on the coding strand, the complement: TRIP12 is on the minus strand). VCF-style: chr2-229859098-G-C. GRCh37 (hg19) VCF-style: chr2-230723814-G-C.
Other names: c.701C>G, p.Thr234Ser (NM_001284214.2, NM_001348315.2, NM_001348319.1 and 15 more transcripts); c.575C>G, p.Thr192Ser (NM_001284215.2, NM_001348316.2, NM_001348317.1 and 3 more transcripts); c.98+20884C>G (NM_001284216.2); short protein forms T192S, T234S.
Identifiers: ClinVar variation 5038761 (VCV005038761.1).